The following is an entry in ClinVar:

NM_003839.4(TNFRSF11A):c.947G>A (p.Gly316Asp)

Gene: TNFRSF11A (TNF receptor superfamily member 11a; plus strand). Cytogenetic location: 18q21.33.
Variant type: single nucleotide variant.
Coding change: c.947G>A on transcript NM_003839.4 (MANE Select); coding-DNA position 947, G replaced by A.
Protein change: p.Gly316Asp; replaces glycine 316 with aspartic acid.
Molecular consequence: missense variant. On other transcripts: intron variant (3).
Genome position (GRCh38, 1-based): chr18:62,368,864, G>A. VCF-style: chr18-62368864-G-A. GRCh37 (hg19) VCF-style: chr18-60036097-G-A.
Other names: c.905G>A, p.Gly302Asp (NM_001278268.2); c.783+2104G>A (NM_001270949.2); c.730+7071G>A (NM_001270950.2); c.616+8815G>A (NM_001270951.2); short protein forms G316D, G302D.
Identifiers: ClinVar variation 1449322 (VCV001449322.8), dbSNP rs1287756225, ClinGen allele CA402616345.
Genomic context (GRCh38, chr18:62,368,864, plus strand): 5'-CAGAAGATATGTGCTACCCAGATCAAGGTGGTGTCTGTCAGGGCACATGTGTAGGAGGTG[G>A]TCCCTACGCACAAGGCGAAGATGCCAGGATGCTCTCATTGGTCAGCAAGACCGAGATAGA-3'
Protein context (NP_003830.1, residues 306-326): GVCQGTCVGG[Gly316Asp]PYAQGEDARM

ClinVar aggregate classification (germline): Uncertain significance (1 of 4 stars; one submission).

Allele frequency attached by ClinVar (database versions not stated): gnomAD exomes below 0.00001; gnomAD 0.00001.
gnomAD v4.1: 2 of 1,614,102 alleles (0.00012%); highest among the groups gnomAD compares: Non-Finnish European, 0.00017%; no homozygotes.

Submission:

Labcorp Genetics (formerly Invitae), Labcorp
Classification: Uncertain significance. Last evaluated: 2021-06-28. Review status: criteria provided, single submitter. Criteria: Invitae Variant Classification Sherloc (09022015). Collection method: clinical testing. Allele origin: germline.
Comment: In summary, the available evidence is currently insufficient to determine the role of this variant in disease. Therefore, it has been classified as a Variant of Uncertain Significance. Algorithms developed to predict the effect of missense changes on protein structure and function are either unavailable or do not agree on the potential impact of this missense change (SIFT: "Deleterious"; PolyPhen-2: "Possibly Damaging"; Align-GVGD: "Class C0"). This variant has not been reported in the literature in individuals with TNFRSF11A-related conditions. This variant is not present in population databases (ExAC no frequency). This sequence change replaces glycine with aspartic acid at codon 316 of the TNFRSF11A protein (p.Gly316Asp). The glycine residue is moderately conserved and there is a moderate physicochemical difference between glycine and aspartic acid.